The following is an entry in ClinVar:

NM_006852.6(TLK2):c.1589T>C (p.Leu530Pro)

Gene: TLK2 (tousled like kinase 2; plus strand). Cytogenetic location: 17q23.2.
Variant type: single nucleotide variant.
Coding change: c.1589T>C on transcript NM_006852.6 (MANE Select); coding-DNA position 1589, T replaced by C.
Protein change: p.Leu530Pro; replaces leucine 530 with proline.
Molecular consequence: missense variant.
Genome position (GRCh38, 1-based): chr17:62,600,689, T>C. VCF-style: chr17-62600689-T-C. GRCh37 (hg19) VCF-style: chr17-60678050-T-C.
Other names: NM_001330418.3:c.1142T>C; c.1655T>C, p.Leu552Pro (NM_001284333.3); c.1493T>C, p.Leu498Pro (NM_001284363.1, NM_001375272.1); c.1142T>C, p.Leu381Pro (NM_001330418.3, NM_001375273.1); c.1631T>C, p.Leu544Pro (NM_001375269.1); c.1589T>C, p.Leu530Pro (NM_001375270.1, NM_001375271.1); short protein forms L381P, L498P, L530P, L544P, L552P.
Identifiers: ClinVar variation 1703226 (VCV001703226.1), dbSNP rs2546014238, ClinGen allele CA400510817.

ClinVar aggregate classification (germline): Likely pathogenic (1 of 4 stars; one submission).

Conditions:
Intellectual developmental disorder, autosomal dominant 57. Also called: MENTAL RETARDATION, AUTOSOMAL DOMINANT 57; Intellectual disability, autosomal dominant 57. Identifiers: MedGen C4748003, MONDO:0054837, OMIM 618050.

Submission:

Broad Center for Mendelian Genomics, Broad Institute of MIT and Harvard
Classification: Likely pathogenic for Intellectual developmental disorder, autosomal dominant 57. Last evaluated: 2022-08-25. Review status: criteria provided, single submitter. Criteria: ACMG Guidelines, 2015. Collection method: curation. Allele origin: germline. Inheritance: Autosomal dominant inheritance. Affected: yes.
Comment: Trio exome analysis showed this variant to be de novo. The p.Leu530Pro variant in TLK2 has not been previously reported in individuals with neurodevelopmental disorders and was absent from large population studies. Computational prediction tools and conservation analyses suggest that this variant may impact the protein, though this information is not predictive enough to determine pathogenicity. The number of missense variants reported in TLK2 in the general population is lower than expected, suggesting there is little benign variation in this gene and slightly increasing the possibility that a missense variant in this gene may not be tolerated. In summary, although additional studies are required to fully establish its clinical significance, this variant is likely pathogenic for autosomal dominant intellectual disability. ACMG/AMP Criteria applied: PP3_moderate, PS2_moderate, PP2, PM2_supporting (Richards 2015).